The following is an entry in ClinVar:

ClinVar aggregate classification (germline): Likely benign. Review status: criteria provided, multiple submitters, no conflicts (2 of 4 stars). 4 submissions from 4 submitters: Likely benign (3). 1 of the submissions does not count toward it. Last evaluated 2024-10-07.

Conditions:
POMK-related disorder. Also called: POMK-related condition.
Muscular dystrophy-dystroglycanopathy (congenital with brain and eye anomalies), type a, 12 (MDDGA12). Also called: WALKER-WARBURG SYNDROME OR MUSCLE-EYE-BRAIN DISEASE, POMK-RELATED. Identifiers: Orphanet 899, MedGen C3808964, MONDO:0014101, OMIM 615249.
Limb-girdle muscular dystrophy due to POMK deficiency. Also called: MUSCULAR DYSTROPHY-DYSTROGLYCANOPATHY, LIMB-GIRDLE, POMK-RELATED; Muscular dystrophy-dystroglycanopathy (limb-girdle), type c, 12. Identifiers: Orphanet 445110, MedGen C4015184, MONDO:0014489, OMIM 616094.

Allele frequency attached by ClinVar (database versions not stated): ExAC 0.00001; gnomAD 0.00001; gnomAD exomes 0.00002 and 0.00003; TOPMed 0.00002.
gnomAD v4.1: 41 of 1,614,134 alleles (0.0025%); highest among the groups gnomAD compares: Middle Eastern, 0.033%; no homozygotes.

Submissions (4):

Labcorp Genetics (formerly Invitae), Labcorp
Classification: Likely benign for Muscular dystrophy-dystroglycanopathy (congenital with brain and eye anomalies), type a, 12; Limb-girdle muscular dystrophy due to POMK deficiency. Last evaluated: 2024-10-07. Review status: criteria provided, single submitter. Criteria: Invitae Variant Classification Sherloc (09022015). Collection method: clinical testing. Allele origin: germline.

CeGaT Center for Human Genetics Tuebingen
Classification: Likely benign. Last evaluated: 2022-07-01. Review status: criteria provided, single submitter. Criteria: CeGaT Center For Human Genetics Tuebingen Variant Classification Criteria Version 2. Collection method: clinical testing. Allele origin: germline. Affected: yes. Observed: 1 variant allele.
Comment: POMK: BP4, BP7

GeneDx
Classification: Likely benign. Last evaluated: 2017-05-04. Review status: criteria provided, single submitter. Criteria: GeneDx Variant Classification (06012015). Collection method: clinical testing. Allele origin: germline. Affected: yes.
Comment: This variant is considered likely benign or benign based on one or more of the following criteria: it is a conservative change, it occurs at a poorly conserved position in the protein, it is predicted to be benign by multiple in silico algorithms, and/or has population frequency not consistent with disease.

PreventionGenetics, part of Exact Sciences
Classification: Likely benign for POMK-related condition. Last evaluated: 2019-06-18. Review status: no assertion criteria provided. Collection method: clinical testing. Allele origin: germline. Not counted in ClinVar's aggregate classification.
Comment: This variant is classified as likely benign based on ACMG/AMP sequence variant interpretation guidelines (Richards et al. 2015 PMID: 25741868, with internal and published modifications).

NM_032237.5(POMK):c.687C>T (p.Asp229=)

Gene: POMK (protein O-mannose kinase; plus strand). Cytogenetic location: 8p11.21.
Variant type: single nucleotide variant.
Coding change: c.687C>T on transcript NM_032237.5 (MANE Select); coding-DNA position 687, C replaced by T.
Protein change: p.Asp229=; no amino-acid change (aspartic acid 229 retained).
Molecular consequence: synonymous variant.
Genome position (GRCh38, 1-based): chr8:43,122,511, C>T. VCF-style: chr8-43122511-C-T. GRCh37 (hg19) VCF-style: chr8-42977654-C-T.
Other names: c.687C>T, p.Asp229= (NM_001277971.2).
Identifiers: ClinVar variation 509336 (VCV000509336.33), dbSNP rs751085294, ClinGen allele CA4736337.